The following is an entry in ClinVar:

ClinVar aggregate classification (germline): Uncertain significance (1 of 4 stars; one submission).

Conditions:
MEGF10-related myopathy (CMYO10A). Also called: Congenital myopathy 10A, severe variant. Identifiers: Orphanet 439212, MedGen C3280679, MONDO:0013731, OMIM 614399.

Allele frequency attached by ClinVar (database versions not stated): gnomAD 0.00001; gnomAD exomes 0.00001; TOPMed 0.00002.
gnomAD v4.1: 10 of 1,613,932 alleles (0.00062%); highest among the groups gnomAD compares: African/African-American, 0.0013%; no homozygotes.

Submission:

Labcorp Genetics (formerly Invitae), Labcorp
Classification: Uncertain significance for MEGF10-related myopathy. Last evaluated: 2025-07-30. Review status: criteria provided, single submitter. Criteria: Invitae Variant Classification Sherloc (09022015). Collection method: clinical testing. Allele origin: germline.
Comment: This sequence change replaces alanine, which is neutral and non-polar, with threonine, which is neutral and polar, at codon 920 of the MEGF10 protein (p.Ala920Thr). This variant is not present in population databases (gnomAD no frequency). This variant has not been reported in the literature in individuals affected with MEGF10-related conditions. ClinVar contains an entry for this variant (Variation ID: 1061240). An algorithm developed to predict the effect of missense changes on protein structure and function outputs the following: PolyPhen-2: "Benign". The threonine amino acid residue is found in multiple mammalian species, which suggests that this missense change does not adversely affect protein function. In summary, the available evidence is currently insufficient to determine the role of this variant in disease. Therefore, it has been classified as a Variant of Uncertain Significance.

NM_001256545.2(MEGF10):c.2758G>A (p.Ala920Thr)

Gene: MEGF10 (multiple EGF like domains 10; plus strand). Cytogenetic location: 5q23.2.
Variant type: single nucleotide variant.
Coding change: c.2758G>A on transcript NM_001256545.2 (MANE Select); coding-DNA position 2758, G replaced by A.
Protein change: p.Ala920Thr; replaces alanine 920 with threonine.
Molecular consequence: missense variant.
Genome position (GRCh38, 1-based): chr5:127,447,586, G>A. VCF-style: chr5-127447586-G-A. GRCh37 (hg19) VCF-style: chr5-126783278-G-A.
Other names: c.2758G>A, p.Ala920Thr (NM_032446.3); short protein forms A920T.
Identifiers: ClinVar variation 1061240 (VCV001061240.8), dbSNP rs756451956, ClinGen allele CA126968215.
Genomic context (GRCh38, chr5:127,447,586, plus strand): 5'-CTGCCTTAACCATTTCCTTCCCTTCTTGCAGGAACCCTTCCTCACAGCAATGGTGGAAAC[G>A]CTAATAGCCACTACTTCACCAATCCCAGTTACCACACGCTCACCCAGTGTGCCACATCCC-3'
Protein context (NP_001243474.1, residues 910-930): GTLPHSNGGN[Ala920Thr]NSHYFTNPSY